The following is an entry in ClinVar:

NM_004304.5(ALK):c.290C>T (p.Pro97Leu)

Gene: ALK (ALK receptor tyrosine kinase; minus strand). Cytogenetic location: 2p23.1.
Variant type: single nucleotide variant.
Coding change: c.290C>T on transcript NM_004304.5 (MANE Select); coding-DNA position 290, C replaced by T.
Protein change: p.Pro97Leu; replaces proline 97 with leucine.
Molecular consequence: missense variant.
Genome position (GRCh38, 1-based): chr2:29,920,370, G>A on the plus strand (C>T on the coding strand, the complement: ALK is on the minus strand). VCF-style: chr2-29920370-G-A. GRCh37 (hg19) VCF-style: chr2-30143236-G-A.
Other names: c.290C>T (NM_004304.4); short protein forms P97L.
Identifiers: ClinVar variation 2730981 (VCV002730981.4), dbSNP rs765290844, ClinGen allele CA346590322.

ClinVar aggregate classification (germline): Uncertain significance. Review status: criteria provided, multiple submitters, no conflicts (2 of 4 stars). 2 submissions from 2 submitters: Uncertain significance (2). Last evaluated 2026-08-16.

Conditions:
Neuroblastoma, susceptibility to, 3. Also called: ALK-Related Neuroblastic Tumor Susceptibility. Identifiers: Orphanet 635, MedGen C2751681, MONDO:0013083, OMIM 613014.
Hereditary cancer-predisposing syndrome. Also called: Hereditary Cancer Syndrome; Hereditary neoplastic syndrome; Neoplastic Syndromes, Hereditary; Tumor predisposition. Identifiers: Orphanet 140162, MedGen C0027672, MeSH D009386, MONDO:0015356.

gnomAD v4.1: 1 of 1,558,030 alleles (0.000064%); highest among the groups gnomAD compares: Non-Finnish European, 0.000087%; no homozygotes.

Submissions (2):

Ambry Genetics
Classification: Uncertain significance for Hereditary cancer-predisposing syndrome. Last evaluated: 2026-08-16. Review status: criteria provided, single submitter. Criteria: Ambry Variant Classification Scheme 2023. Collection method: clinical testing. Allele origin: germline.
Comment: The p.P97L variant (also known as c.290C>T), located in coding exon 1 of the ALK gene, results from a C to T substitution at nucleotide position 290. The proline at codon 97 is replaced by leucine, an amino acid with similar properties. This amino acid position is highly conserved in available vertebrate species. In addition, this alteration is predicted to be deleterious by in silico analysis. Based on the available evidence, the clinical significance of this variant remains unclear.

Labcorp Genetics (formerly Invitae), Labcorp
Classification: Uncertain significance for Neuroblastoma, susceptibility to, 3. Last evaluated: 2024-08-01. Review status: criteria provided, single submitter. Criteria: Invitae Variant Classification Sherloc (09022015). Collection method: clinical testing. Allele origin: germline.
Comment: This sequence change replaces proline, which is neutral and non-polar, with leucine, which is neutral and non-polar, at codon 97 of the ALK protein (p.Pro97Leu). This variant is not present in population databases (gnomAD no frequency). This variant has not been reported in the literature in individuals affected with ALK-related conditions. An algorithm developed to predict the effect of missense changes on protein structure and function (PolyPhen-2) suggests that this variant is likely to be disruptive. In summary, the available evidence is currently insufficient to determine the role of this variant in disease. Therefore, it has been classified as a Variant of Uncertain Significance.